The following is an entry in ClinVar:

ClinVar aggregate classification (germline): Uncertain significance (1 of 4 stars; one submission).

Conditions:
PLXNB1-related disorder. Also called: PLXNB1-related condition.

Allele frequency attached by ClinVar (database versions not stated): TOPMed below 0.00001; gnomAD 0.00001; gnomAD exomes 0.00001.
gnomAD v4.1: 4 of 1,562,748 alleles (0.00026%); highest among the groups gnomAD compares: South Asian, 0.0012%; no homozygotes.

Submission:

PreventionGenetics, part of Exact Sciences
Classification: Uncertain significance for PLXNB1-related condition. Last evaluated: 2023-04-21. Review status: criteria provided, single submitter. Criteria: ACMG Guidelines, 2015. Collection method: clinical testing. Allele origin: germline.
Comment: The PLXNB1 c.2381C>T variant is predicted to result in the amino acid substitution p.Pro794Leu. To our knowledge, this variant has not been reported in the literature. This variant is reported in 0.00092% of alleles in individuals of European (Non-Finnish) descent in gnomAD. At this time, the clinical significance of this variant is uncertain due to the absence of conclusive functional and genetic evidence.

NM_001130082.3(PLXNB1):c.2381C>T (p.Pro794Leu)

Gene: PLXNB1 (plexin B1; minus strand). Cytogenetic location: 3p21.31.
Variant type: single nucleotide variant.
Coding change: c.2381C>T on transcript NM_001130082.3 (MANE Select); coding-DNA position 2381, C replaced by T.
Protein change: p.Pro794Leu; replaces proline 794 with leucine.
Molecular consequence: missense variant.
Genome position (GRCh38, 1-based): chr3:48,419,905, G>A on the plus strand (C>T on the coding strand, the complement: PLXNB1 is on the minus strand). VCF-style: chr3-48419905-G-A. GRCh37 (hg19) VCF-style: chr3-48461314-G-A.
Other names: c.2381C>T, p.Pro794Leu (NM_002673.6); short protein forms P794L.
Identifiers: ClinVar variation 2631946 (VCV002631946.1), dbSNP rs1479550150, ClinGen allele CA352645990.